The following is an entry in ClinVar:

ClinVar aggregate classification (germline): Likely benign. Review status: criteria provided, single submitter (1 of 4 stars). 2 submissions from 2 submitters: Likely benign (1). 1 of the submissions does not count toward it. Last evaluated 2025-01-12.

Conditions:
PHIP-related disorder. Also called: PHIP-related condition; PHIP-related disorders.

Allele frequency attached by ClinVar (database versions not stated): gnomAD exomes below 0.00001.
gnomAD v4.1: 4 of 1,613,954 alleles (0.00025%); highest among the groups gnomAD compares: Non-Finnish European, 0.00034%; no homozygotes.

Submissions (2):

Labcorp Genetics (formerly Invitae), Labcorp
Classification: Likely benign. Last evaluated: 2025-01-12. Review status: criteria provided, single submitter. Criteria: Invitae Variant Classification Sherloc (09022015). Collection method: clinical testing. Allele origin: germline.

PreventionGenetics, part of Exact Sciences
Classification: Likely benign for PHIP-related condition. Last evaluated: 2023-02-06. Review status: no assertion criteria provided. Collection method: clinical testing. Allele origin: germline. Not counted in ClinVar's aggregate classification.
Comment: This variant is classified as likely benign based on ACMG/AMP sequence variant interpretation guidelines (Richards et al. 2015 PMID: 25741868, with internal and published modifications).

NM_017934.7(PHIP):c.2106C>T (p.His702=)

Gene: PHIP (PHIP subunit of CUL4-Ring ligase complex; minus strand). Cytogenetic location: 6q14.1.
Variant type: single nucleotide variant.
Coding change: c.2106C>T on transcript NM_017934.7 (MANE Select); coding-DNA position 2106, C replaced by T.
Protein change: p.His702=; no amino-acid change (histidine 702 retained).
Molecular consequence: synonymous variant.
Genome position (GRCh38, 1-based): chr6:78,997,509, G>A on the plus strand (C>T on the coding strand, the complement: PHIP is on the minus strand). VCF-style: chr6-78997509-G-A. GRCh37 (hg19) VCF-style: chr6-79707226-G-A.
Other names: c.2106C>T (NM_017934.6).
Identifiers: ClinVar variation 2814953 (VCV002814953.4), dbSNP rs1769696951, ClinGen allele CA451003804.